The following is an entry in ClinVar:

ClinVar aggregate classification (germline): Uncertain significance. Review status: criteria provided, multiple submitters, no conflicts (2 of 4 stars). 2 submissions from 2 submitters: Uncertain significance (2). Last evaluated 2025-10-02.

Conditions:
Myopathy, proximal, and ophthalmoplegia (CMYO6). Also called: CONGENITAL MYOPATHY 6 WITH OPHTHALMOPLEGIA; MYOPATHY WITH CONGENITAL JOINT CONTRACTURES, OPHTHALMOPLEGIA, AND RIMMED VACUOLES; INCLUSION BODY MYOPATHY 3, AUTOSOMAL DOMINANT. Identifiers: Orphanet 363677, Orphanet 79091, MedGen C1854106, MONDO:0011577, OMIM 605637.

Submissions (2):

Labcorp Genetics (formerly Invitae), Labcorp
Classification: Uncertain significance for Myopathy, proximal, and ophthalmoplegia. Last evaluated: 2025-10-02. Review status: criteria provided, single submitter. Criteria: Invitae Variant Classification Sherloc (09022015). Collection method: clinical testing. Allele origin: germline.
Comment: This sequence change affects the initiator codon of the MYH2 mRNA. This change may impact translation initiation or efficiency. The next in-frame methionine is located at codon 80. This variant is not present in population databases (gnomAD no frequency). This variant has not been reported in the literature in individuals affected with MYH2-related conditions. ClinVar contains an entry for this variant (Variation ID: 3891773). Experimental studies and prediction algorithms are not available or were not evaluated, and the functional significance of this variant is currently unknown. In summary, the available evidence is currently insufficient to determine the role of this variant in disease. Therefore, it has been classified as a Variant of Uncertain Significance.

Department of Pathology and Laboratory Medicine, Sinai Health System
Classification: Uncertain significance for Myopathy, proximal, and ophthalmoplegia. Last evaluated: 2022-05-16. Review status: criteria provided, single submitter. Criteria: ACMG Guidelines, 2015. Collection method: research. Allele origin: germline.

NM_017534.6(MYH2):c.2T>G (p.Met1Arg)

Genes: MYH2 (myosin heavy chain 2; minus strand), MYHAS (myosin heavy chain gene cluster antisense RNA; plus strand). Cytogenetic location: 17p13.1.
Variant type: single nucleotide variant.
Coding change: c.2T>G on transcript NM_017534.6 (MANE Select); coding-DNA position 2, T replaced by G.
Protein change: p.Met1Arg; changes the start codon (methionine 1).
Molecular consequence: missense variant, initiator codon variant.
Genome position (GRCh38, 1-based): chr17:10,547,919, A>C on the plus strand (T>G on the coding strand, the complement: MYH2 is on the minus strand). VCF-style: chr17-10547919-A-C. GRCh37 (hg19) VCF-style: chr17-10451236-A-C.
Other names: c.2T>G, p.Met1Arg (NM_001100112.2); short protein forms M1R.
Identifiers: ClinVar variation 3891773 (VCV003891773.2).